The following is an entry in ClinVar:

ClinVar aggregate classification (germline): Uncertain significance. Review status: criteria provided, multiple submitters, no conflicts (2 of 4 stars). 4 submissions from 4 submitters: Uncertain significance (4). Last evaluated 2025-09-05.

Conditions:
Inborn genetic diseases. Identifiers: MedGen C0950123, MeSH D030342.
Retinitis pigmentosa (RP). Identifiers: Orphanet 791, MedGen C0035334, MeSH D012174, MONDO:0019200, OMIM 268000. Inheritance: Autosomal dominant, autosomal recessive and X linked inheritance.

Allele frequency attached by ClinVar (database versions not stated): gnomAD 0.00006; TOPMed 0.00009; 1000 Genomes Project 0.00020; 1000 Genomes Project 30x 0.00031.
gnomAD v4.1: 55 of 1,614,192 alleles (0.0034%); highest among the groups gnomAD compares: Admixed American, 0.018%; no homozygotes.

Submissions (4):

Ambry Genetics
Classification: Uncertain significance for Inborn genetic diseases. Last evaluated: 2025-09-05. Review status: criteria provided, single submitter. Criteria: Ambry Variant Classification Scheme 2023. Collection method: clinical testing. Allele origin: germline.

Dasa
Classification: Uncertain significance. Last evaluated: 2025-07-16. Review status: criteria provided, single submitter. Criteria: DASA Assertion Criteria. Collection method: clinical testing. Allele origin: germline.
Comment: NM_006343.3(MERTK):c.207G>C (p.Gln69His) is a missense variant that results in the substitution of glutamine with histidine. This variant is rare in population databases. Computational prediction algorithms are consistent with a benign effect. The currently available literature and clinical evidence are not sufficient to establish a definitive association between this variant and the reported condition. Therefore, this variant is classified as a variant of uncertain significance.

Labcorp Genetics (formerly Invitae), Labcorp
Classification: Uncertain significance. Last evaluated: 2022-07-21. Review status: criteria provided, single submitter. Criteria: Invitae Variant Classification Sherloc (09022015). Collection method: clinical testing. Allele origin: germline.
Comment: This sequence change replaces glutamine, which is neutral and polar, with histidine, which is basic and polar, at codon 69 of the MERTK protein (p.Gln69His). This variant is present in population databases (rs200120223, gnomAD 0.1%). This variant has not been reported in the literature in individuals affected with MERTK-related conditions. ClinVar contains an entry for this variant (Variation ID: 849376). Algorithms developed to predict the effect of missense changes on protein structure and function output the following: SIFT: "Tolerated"; PolyPhen-2: "Benign"; Align-GVGD: "Class C0". The histidine amino acid residue is found in multiple mammalian species, which suggests that this missense change does not adversely affect protein function. In summary, the available evidence is currently insufficient to determine the role of this variant in disease. Therefore, it has been classified as a Variant of Uncertain Significance.

Illumina Laboratory Services, Illumina
Classification: Uncertain significance for Retinitis pigmentosa. Last evaluated: 2018-01-12. Review status: criteria provided, single submitter. Criteria: ICSL Variant Classification Criteria 13 December 2019. Collection method: clinical testing. Allele origin: germline.

NM_006343.3(MERTK):c.207G>C (p.Gln69His)

Gene: MERTK (MER proto-oncogene, tyrosine kinase; plus strand). Cytogenetic location: 2q13.
Variant type: single nucleotide variant.
Coding change: c.207G>C on transcript NM_006343.3 (MANE Select); coding-DNA position 207, G replaced by C.
Protein change: p.Gln69His; replaces glutamine 69 with histidine.
Molecular consequence: missense variant.
Genome position (GRCh38, 1-based): chr2:111,929,265, G>C. VCF-style: chr2-111929265-G-C. GRCh37 (hg19) VCF-style: chr2-112686842-G-C.
Other names: short protein forms Q69H.
Identifiers: ClinVar variation 849376 (VCV000849376.14), dbSNP rs200120223, ClinGen allele CA1830997.